The following is an entry in ClinVar:

ClinVar aggregate classification (germline): Benign. Review status: criteria provided, multiple submitters, no conflicts (2 of 4 stars). 11 submissions from 11 submitters: Benign (9). 2 of the submissions do not count toward it. Last evaluated 2026-02-04.

Conditions:
Fraser syndrome 1 (FRASRS1). Also called: CRYPTOPHTHALMOS WITH OTHER MALFORMATIONS. Identifiers: Orphanet 2052, MedGen C4551480, MONDO:0054737, OMIM 219000.

Allele frequency attached by ClinVar (database versions not stated): 1000 Genomes Project 30x 0.72798; TOPMed 0.77703; gnomAD 0.79008; ESP Exome Variant Server 0.79778.
gnomAD v4.1: 1,224,655 of 1,612,350 alleles (76%); highest among the groups gnomAD compares: African/African-American, 85%; 467,627 homozygotes.

Submissions (11):

Labcorp Genetics (formerly Invitae), Labcorp
Classification: Benign. Last evaluated: 2026-02-04. Review status: criteria provided, single submitter. Criteria: Invitae Variant Classification Sherloc (09022015). Collection method: clinical testing. Allele origin: germline.

Blueprint Genetics
Classification: Benign. Last evaluated: 2024-11-26. Review status: criteria provided, single submitter. Criteria: ACMG Guidelines, 2015. Collection method: clinical testing. Allele origin: germline.

Mayo Clinic Laboratories, Mayo Clinic
Classification: Benign. Last evaluated: 2022-03-09. Review status: criteria provided, single submitter. Criteria: ACMG Guidelines, 2015. Collection method: clinical testing. Allele origin: germline. Observed: 67 variant alleles.

Genome-Nilou Lab
Classification: Benign for Fraser syndrome 1. Last evaluated: 2021-08-10. Review status: criteria provided, single submitter. Criteria: ACMG Guidelines, 2015. Collection method: clinical testing. Allele origin: germline. Affected: no.

GeneDx
Classification: Benign. Last evaluated: 2019-03-05. Review status: criteria provided, single submitter. Criteria: GeneDx Variant Classification Process June 2021. Collection method: clinical testing. Allele origin: germline. Affected: yes.

Illumina Laboratory Services, Illumina
Classification: Benign for Fraser syndrome 1. Last evaluated: 2018-01-13. Review status: criteria provided, single submitter. Criteria: ICSL Variant Classification Criteria 13 December 2019. Collection method: clinical testing. Allele origin: germline.
Comment: This variant was observed in the ICSL laboratory as part of a predisposition screen in an ostensibly healthy population. It had not been previously curated by ICSL or reported in the Human Gene Mutation Database (HGMD: prior to June 1st, 2018), and was therefore a candidate for classification through an automated scoring system. Utilizing variant allele frequency, disease prevalence and penetrance estimates, and inheritance mode, an automated score was calculated to assess if this variant is too frequent to cause the disease. Based on the score and internal cut-off values, a variant classified as benign is not then subjected to further curation. The score for this variant resulted in a classification of benign for this disease.

Eurofins Ntd Llc (ga)
Classification: Benign. Last evaluated: 2015-02-18. Review status: criteria provided, single submitter. Criteria: EGL Classification Definitions 2015. Collection method: clinical testing. Allele origin: germline. Observed: 2 variant alleles, 2 homozygotes.

Breakthrough Genomics
Classification: Benign. Review status: criteria provided, single submitter. Criteria: ACMG Guidelines, 2015. Collection method: not provided. Allele origin: germline. Inheritance: Autosomal recessive inheritance. Affected: yes.

PreventionGenetics, part of Exact Sciences
Classification: Benign. Review status: criteria provided, single submitter. Criteria: ACMG Guidelines, 2015. Collection method: clinical testing. Allele origin: germline.

Diagnostic Laboratory, Department of Genetics, University Medical Center Groningen
Classification: Benign for Fraser syndrome 1. Review status: no assertion criteria provided. Collection method: clinical testing. Allele origin: germline. Affected: yes. Study: VKGL Data-share Consensus. Not counted in ClinVar's aggregate classification.

Genome Diagnostics Laboratory, University Medical Center Utrecht
Classification: Benign. Review status: no assertion criteria provided. Collection method: clinical testing. Allele origin: germline. Affected: yes. Study: VKGL Data-share Consensus. Not counted in ClinVar's aggregate classification.

NM_025074.7(FRAS1):c.1947T>C (p.His649=)

Gene: FRAS1 (Fraser extracellular matrix complex subunit 1; plus strand). Cytogenetic location: 4q21.21.
Variant type: single nucleotide variant.
Coding change: c.1947T>C on transcript NM_025074.7 (MANE Select); coding-DNA position 1947, T replaced by C.
Protein change: p.His649=; no amino-acid change (histidine 649 retained).
Molecular consequence: synonymous variant.
Genome position (GRCh38, 1-based): chr4:78,317,495, T>C. VCF-style: chr4-78317495-T-C. GRCh37 (hg19) VCF-style: chr4-79238649-T-C.
Other names: p.His649=; c.1947T>C, p.His649= (NM_001166133.2).
Identifiers: ClinVar variation 194790 (VCV000194790.23), dbSNP rs345514, ClinGen allele CA201354.
Genomic context (GRCh38, chr4:78,317,495, plus strand): 5'-CAAGGCTCTGCGTCAAGGCCACTGTCTGCCCCGCTGTGGAGAGGGTTTCTACTCTGACCA[T>C]GGAGTCTGCAAAGGTATCGTTGGTGTCACCATCATTCTTGAGAGGCTATCCCACAAGAAC-3'
Protein context (NP_079350.5, residues 639-659): PRCGEGFYSD[His649=]GVCKACHSSC